The following is an entry in ClinVar:

NM_024757.5(EHMT1):c.3072del (p.Cys1025fs)

Gene: EHMT1 (euchromatic histone lysine methyltransferase 1; plus strand). Cytogenetic location: 9q34.3.
Variant type: Deletion.
Coding change: c.3072del on transcript NM_024757.5 (MANE Select); coding-DNA position 3072, one base deleted (C; older notation c.3072delC).
Protein change: p.Cys1025fs; shifts the reading frame from cysteine 1025.
Molecular consequence: frameshift variant.
Genome position (GRCh38, 1-based): chr9:137,813,422, C deleted; the last of 4 consecutive C bases (chr9:137,813,419-137,813,422); deleting any one gives the same sequence. VCF-style (leftmost placement, unchanged base first): chr9-137813418-TC-T. GRCh37 (hg19) VCF-style: chr9-140707870-TC-T.
Other names: c.3051del, p.Cys1018fs (NM_001354263.2); short protein forms C1018fs, C1025fs.
Identifiers: ClinVar variation 3391423 (VCV003391423.1).

ClinVar aggregate classification (germline): Uncertain significance (1 of 4 stars; one submission).

Conditions:
Kleefstra syndrome 1 (KLEFS1). Identifiers: Orphanet 261494, MedGen C0795833, MONDO:0027407, OMIM 610253.

Submission:

Clinical Genetics Center, Xinhua Hospital affiliated to Shanghai Jiao Tong University School of Medicine
Classification: Uncertain significance for Kleefstra syndrome 1. Last evaluated: 2024-11-01. Review status: criteria provided, single submitter. Criteria: ACMG Guidelines, 2015. Collection method: clinical testing. Allele origin: de novo. Affected: yes.
Comment: PVS1+PM6+PM2_Supporting